The following is an entry in ClinVar:

ClinVar aggregate classification (germline): Likely pathogenic. Review status: criteria provided, single submitter (1 of 4 stars). 2 submissions from 2 submitters: Likely pathogenic (1). 1 of the submissions does not count toward it. Last evaluated 2024-12-19.

Conditions:
Vitelliform macular dystrophy 2. Also called: MACULAR DEGENERATION, POLYMORPHIC VITELLINE; Best vitelliform macular dystrophy, multifocal; Best Macular Dystrophy; Best Vitelliform Macular Dystrophy (BVMD); VITELLIFORM MACULAR DYSTROPHY, EARLY-ONSET; VITELLIFORM MACULAR DYSTROPHY, JUVENILE-ONSET. Identifiers: Orphanet 1243, MedGen C2745945, MONDO:0007931, OMIM 153700.

Submissions (2):

Labcorp Genetics (formerly Invitae), Labcorp
Classification: Likely pathogenic. Last evaluated: 2024-12-19. Review status: criteria provided, single submitter. Criteria: Invitae Variant Classification Sherloc (09022015). Collection method: clinical testing. Allele origin: germline.
Comment: This sequence change replaces lysine, which is basic and polar, with glutamic acid, which is acidic and polar, at codon 30 of the BEST1 protein (p.Lys30Glu). This variant is not present in population databases (gnomAD no frequency). This missense change has been observed in individual(s) with clinical features of autosomal dominant Best vitelliform macular dystrophy (PMID: 36378562; internal data). Invitae Evidence Modeling of protein sequence and biophysical properties (such as structural, functional, and spatial information, amino acid conservation, physicochemical variation, residue mobility, and thermodynamic stability) indicates that this missense variant is expected to disrupt BEST1 protein function with a positive predictive value of 95%. This variant disrupts the p.Lys30 amino acid residue in BEST1. Other variant(s) that disrupt this residue have been determined to be pathogenic (PMID: 10798642, 28559085). This suggests that this residue is clinically significant, and that variants that disrupt this residue are likely to be disease-causing. In summary, the currently available evidence indicates that the variant is pathogenic, but additional data are needed to prove that conclusively. Therefore, this variant has been classified as Likely Pathogenic.

ClinVar Staff, National Center for Biotechnology Information (NCBI)
No classification provided. Condition: Vitelliform macular dystrophy 2. Review status: no classification provided. Collection method: literature only. Allele origin: germline. Inheritance: Autosomal dominant inheritance. Affected: yes. Observed: 5 variant alleles, 5 heterozygotes. Not counted in ClinVar's aggregate classification.

Literature cited by the submitters: PubMed 36378562 (cited by Labcorp Genetics (formerly Invitae), Labcorp and ClinVar Staff, National Center for Biotechnology Information (NCBI)); PubMed 10798642 (cited by Labcorp Genetics (formerly Invitae), Labcorp); PubMed 28559085 (cited by Labcorp Genetics (formerly Invitae), Labcorp).

NM_004183.4(BEST1):c.88A>G (p.Lys30Glu)

Gene: BEST1 (bestrophin 1; plus strand). Cytogenetic location: 11q12.3.
Variant type: single nucleotide variant.
Coding change: c.88A>G on transcript NM_004183.4 (MANE Select); coding-DNA position 88, A replaced by G.
Protein change: p.Lys30Glu; replaces lysine 30 with glutamic acid.
Molecular consequence: missense variant. On other transcripts: non-coding transcript variant (1), intron variant (6).
Genome position (GRCh38, 1-based): chr11:61,951,894, A>G. VCF-style: chr11-61951894-A-G. GRCh37 (hg19) VCF-style: chr11-61719366-A-G.
Other names: c.88A>G, p.Lys30Glu (NM_001363592.2, NM_001440571.1, NM_001440572.1 and 1 more transcripts); c.-29+1467A>G (NM_001139443.3, NM_001300787.2, NM_001440574.1 and 3 more transcripts); short protein forms K30E.
Identifiers: ClinVar variation 3256720 (VCV003256720.3).